The following is an entry in ClinVar:

NM_001376.5(DYNC1H1):c.6858-3C>A

Gene: DYNC1H1 (dynein cytoplasmic 1 heavy chain 1; plus strand). Cytogenetic location: 14q32.31.
Variant type: single nucleotide variant.
Coding change: c.6858-3C>A on transcript NM_001376.5 (MANE Select); 3 bases into the intron before coding-DNA position 6858, C replaced by A.
Molecular consequence: intron variant.
Genome position (GRCh38, 1-based): chr14:102,012,311, C>A. VCF-style: chr14-102012311-C-A. GRCh37 (hg19) VCF-style: chr14-102478648-C-A.
Identifiers: ClinVar variation 4975845 (VCV004975845.1).

ClinVar aggregate classification (germline): Uncertain significance (1 of 4 stars; one submission).

Submission:

GeneDx
Classification: Uncertain significance. Last evaluated: 2026-02-02. Review status: criteria provided, single submitter. Criteria: GeneDx Variant Classification Process June 2021. Collection method: clinical testing. Allele origin: germline.
Comment: Not observed at significant frequency in large population cohorts (gnomAD); In silico analysis supports a deleterious effect on splicing; Has not been previously published as pathogenic or benign to our knowledge